The following is an entry in ClinVar:

NM_198428.3(BBS9):c.1283_1286del (p.Thr428fs)

Gene: BBS9 (Bardet-Biedl syndrome 9; plus strand). Cytogenetic location: 7p14.3.
Variant type: Deletion.
Coding change: c.1283_1286del on transcript NM_198428.3 (MANE Select); coding-DNA positions 1283 to 1286, 4 bases deleted (CCGA; older notation c.1283_1286delCCGA).
Protein change: p.Thr428fs; shifts the reading frame from threonine 428.
Molecular consequence: frameshift variant. On other transcripts: non-coding transcript variant (3).
Genome position (GRCh38, 1-based): chr7:33,344,588-33,344,591, CCGA deleted; deleting any 4 consecutive bases within chr7:33,344,585-33,344,591 gives the same sequence; the c. name uses the placement nearest the transcript's 3' end. VCF-style (leftmost placement, unchanged base first): chr7-33344584-GCGAC-G. GRCh37 (hg19) VCF-style: chr7-33384196-GCGAC-G.
Other names: c.1283_1286del (NM_198428.2); c.1283_1286del, p.Thr428fs (NM_001033604.2, NM_001033605.2, NM_001348036.1 and 5 more transcripts); c.917_920del, p.Thr306fs (NM_001348037.3, NM_001348044.3, NM_001348045.3 and 1 more transcripts); c.1010_1013del, p.Thr337fs (NM_001348038.3, NM_001348039.3); c.1148_1151del, p.Thr383fs (NM_001348042.3); c.1283_1286delCCGA, p.Thr428Metfs (NM_001412127.2, NM_001412128.2); short protein forms T383fs, T428fs, T337fs, T306fs.
Identifiers: ClinVar variation 2201996 (VCV002201996.7), dbSNP rs1452644432, ClinGen allele CA573742287.

ClinVar aggregate classification (germline): Pathogenic/Likely pathogenic. Review status: criteria provided, multiple submitters, no conflicts (2 of 4 stars). 2 submissions from 2 submitters: Pathogenic (1); Likely pathogenic (1). Last evaluated 2026-05-13.

Conditions:
Bardet-Biedl syndrome (BBS). Identifiers: Orphanet 110, MedGen C0752166, MONDO:0015229.

Submissions (2):

GeneDx
Classification: Likely pathogenic. Last evaluated: 2026-05-13. Review status: criteria provided, single submitter. Criteria: GeneDx Variant Classification Process June 2021. Collection method: clinical testing. Allele origin: germline.
Comment: Has not been previously published as pathogenic or benign in association with a BBS9-related disorder to our knowledge; Frameshift variant predicted to result in protein truncation or nonsense mediated decay in a gene for which loss of function is a known mechanism of disease; Not observed at significant frequency in large population cohorts (gnomAD); This variant is associated with the following publications: (PMID: 16380913, 20177705, 31964843)

Labcorp Genetics (formerly Invitae), Labcorp
Classification: Pathogenic for Bardet-Biedl syndrome. Last evaluated: 2025-03-17. Review status: criteria provided, single submitter. Criteria: Invitae Variant Classification Sherloc (09022015). Collection method: clinical testing. Allele origin: germline.
Comment: This sequence change creates a premature translational stop signal (p.Thr428Metfs*14) in the BBS9 gene. It is expected to result in an absent or disrupted protein product. Loss-of-function variants in BBS9 are known to be pathogenic (PMID: 16380913, 20177705). This variant is present in population databases (no rsID available, gnomAD 0.0009%). This variant has not been reported in the literature in individuals affected with BBS9-related conditions. ClinVar contains an entry for this variant (Variation ID: 2201996). For these reasons, this variant has been classified as Pathogenic.

Literature cited by the submitters: PubMed 16380913 (cited by Labcorp Genetics (formerly Invitae), Labcorp); PubMed 20177705 (cited by Labcorp Genetics (formerly Invitae), Labcorp).